The following is an entry in ClinVar:

NM_004356.4(CD81):c.473G>A (p.Gly158Asp)

Gene: CD81 (CD81 molecule; plus strand). Cytogenetic location: 11p15.5.
Variant type: single nucleotide variant.
Coding change: c.473G>A on transcript NM_004356.4 (MANE Select); coding-DNA position 473, G replaced by A.
Protein change: p.Gly158Asp; replaces glycine 158 with aspartic acid.
Molecular consequence: missense variant.
Genome position (GRCh38, 1-based): chr11:2,395,882, G>A. VCF-style: chr11-2395882-G-A. GRCh37 (hg19) VCF-style: chr11-2417112-G-A.
Other names: c.260G>A, p.Gly87Asp (NM_001297649.2); short protein forms G158D, G87D.
Identifiers: ClinVar variation 2061114 (VCV002061114.4), dbSNP rs754283817, ClinGen allele CA5820044.
Genomic context (GRCh38, chr11:2,395,882, plus strand): 5'-CCCCCTGGGCACATCCAGGGCTGACCTTGCACCCCTGCTCTCTGCAGCTTGACTGCTGTG[G>A]CTCCAGCACACTGACTGCTTTGACCACCTCAGTGCTCAAGAACAATTTGTGTCCCTCGGG-3'
Protein context (NP_004347.1, residues 148-168): KTFHETLDCC[Gly158Asp]SSTLTALTTS

ClinVar aggregate classification (germline): Uncertain significance (1 of 4 stars; one submission).

Allele frequency attached by ClinVar (database versions not stated): gnomAD exomes below 0.00001; TOPMed below 0.00001; ExAC 0.00001; gnomAD 0.00001.
gnomAD v4.1: 4 of 1,611,394 alleles (0.00025%); highest among the groups gnomAD compares: Admixed American, 0.005%; no homozygotes.

Submission:

Labcorp Genetics (formerly Invitae), Labcorp
Classification: Uncertain significance. Last evaluated: 2025-11-11. Review status: criteria provided, single submitter. Criteria: Invitae Variant Classification Sherloc (09022015). Collection method: clinical testing. Allele origin: germline.
Comment: This sequence change replaces glycine, which is neutral and non-polar, with aspartic acid, which is acidic and polar, at codon 158 of the CD81 protein (p.Gly158Asp). This variant is present in population databases (rs754283817, gnomAD 0.006%). This variant has not been reported in the literature in individuals affected with CD81-related conditions. ClinVar contains an entry for this variant (Variation ID: 2061114). An algorithm developed to predict the effect of missense changes on protein structure and function (PolyPhen-2) suggests that this variant is likely to be disruptive. In summary, the available evidence is currently insufficient to determine the role of this variant in disease. Therefore, it has been classified as a Variant of Uncertain Significance.